The following is an entry in ClinVar:

ClinVar aggregate classification (germline): Uncertain significance (1 of 4 stars; one submission).

Conditions:
Charcot-Marie-Tooth disease axonal type 2Z. Also called: CHARCOT-MARIE-TOOTH DISEASE, AXONAL, AUTOSOMAL DOMINANT, TYPE 2Z; CHARCOT-MARIE-TOOTH NEUROPATHY, TYPE 2Z. Identifiers: Orphanet 466768, MedGen C5569025, MONDO:0014736, OMIM 616688.

gnomAD v4.1: 4 of 1,042,618 alleles (0.00038%); highest among the groups gnomAD compares: Admixed American, 0.006%; 1 homozygote.

Submission:

Labcorp Genetics (formerly Invitae), Labcorp
Classification: Uncertain significance for Charcot-Marie-Tooth disease axonal type 2Z. Last evaluated: 2025-08-19. Review status: criteria provided, single submitter. Criteria: Invitae Variant Classification Sherloc (09022015). Collection method: clinical testing. Allele origin: germline.
Comment: This sequence change falls in intron 4 of the MORC2 gene. It does not directly change the encoded amino acid sequence of the MORC2 protein. It affects a nucleotide within the consensus splice site. This variant is present in population databases (no rsID available, gnomAD 0.003%). This variant has not been reported in the literature in individuals affected with MORC2-related conditions. Variants that disrupt the consensus splice site are a relatively common cause of aberrant splicing (PMID: 17576681, 9536098). Algorithms developed to predict the effect of sequence changes on RNA splicing suggest that this variant is not likely to affect RNA splicing. In summary, the available evidence is currently insufficient to determine the role of this variant in disease. Therefore, it has been classified as a Variant of Uncertain Significance.

Literature cited by the submitters: PubMed 17576681; PubMed 9536098.

NM_001303256.3(MORC2):c.226+5G>A

Gene: MORC2 (MORC family CW-type zinc finger 2; minus strand). Cytogenetic location: 22q12.2.
Variant type: single nucleotide variant.
Coding change: c.226+5G>A on transcript NM_001303256.3 (MANE Select); 5 bases into the intron after coding-DNA position 226, G replaced by A.
Molecular consequence: intron variant.
Genome position (GRCh38, 1-based): chr22:30,950,372, C>T on the plus strand (G>A on the coding strand, the complement: MORC2 is on the minus strand). VCF-style: chr22-30950372-C-T. GRCh37 (hg19) VCF-style: chr22-31346358-C-T.
Other names: c.226+5G>A (NM_001303257.2); c.40+5G>A (NM_014941.3).
Identifiers: ClinVar variation 4737831 (VCV004737831.1).